The following is an entry in ClinVar:

ClinVar aggregate classification (germline): Uncertain significance. Review status: criteria provided, multiple submitters, no conflicts (2 of 4 stars). 3 submissions from 3 submitters: Uncertain significance (3). Last evaluated 2025-11-25.

Conditions:
Inborn genetic diseases. Identifiers: MedGen C0950123, MeSH D030342.

Allele frequency attached by ClinVar (database versions not stated): gnomAD exomes 0.00006 and 0.00003; ExAC 0.00007; gnomAD 0.00002 and 0.00001; TOPMed 0.00004; 1000 Genomes Project 30x 0.00016; 1000 Genomes Project 0.00020.
gnomAD v4.1: 48 of 1,613,832 alleles (0.003%); highest among the groups gnomAD compares: East Asian, 0.018%; no homozygotes.

Submissions (3):

Ambry Genetics
Classification: Uncertain significance for Inborn genetic diseases. Last evaluated: 2025-11-25. Review status: criteria provided, single submitter. Criteria: Ambry Variant Classification Scheme 2023. Collection method: clinical testing. Allele origin: germline.

Labcorp Genetics (formerly Invitae), Labcorp
Classification: Uncertain significance. Last evaluated: 2024-05-03. Review status: criteria provided, single submitter. Criteria: Invitae Variant Classification Sherloc (09022015). Collection method: clinical testing. Allele origin: germline.
Comment: This sequence change replaces glycine, which is neutral and non-polar, with serine, which is neutral and polar, at codon 1626 of the TUBGCP6 protein (p.Gly1626Ser). This variant is present in population databases (rs201575861, gnomAD 0.03%). This variant has not been reported in the literature in individuals affected with TUBGCP6-related conditions. ClinVar contains an entry for this variant (Variation ID: 1044737). An algorithm developed to predict the effect of missense changes on protein structure and function (PolyPhen-2) suggests that this variant is likely to be disruptive. In summary, the available evidence is currently insufficient to determine the role of this variant in disease. Therefore, it has been classified as a Variant of Uncertain Significance.

Genetic Services Laboratory, University of Chicago
Classification: Uncertain significance. Last evaluated: 2018-08-14. Review status: criteria provided, single submitter. Criteria: ACMG Guidelines, 2015. Collection method: clinical testing. Allele origin: germline. Affected: no.

NM_020461.4(TUBGCP6):c.4876G>A (p.Gly1626Ser)

Gene: TUBGCP6 (tubulin gamma complex component 6; minus strand). Cytogenetic location: 22q13.33.
Variant type: single nucleotide variant.
Coding change: c.4876G>A on transcript NM_020461.4 (MANE Select); coding-DNA position 4876, G replaced by A.
Protein change: p.Gly1626Ser; replaces glycine 1626 with serine.
Molecular consequence: missense variant.
Genome position (GRCh38, 1-based): chr22:50,218,566, C>T on the plus strand (G>A on the coding strand, the complement: TUBGCP6 is on the minus strand). VCF-style: chr22-50218566-C-T. GRCh37 (hg19) VCF-style: chr22-50656995-C-T.
Other names: short protein forms G1626S.
Identifiers: ClinVar variation 1044737 (VCV001044737.9), dbSNP rs201575861, ClinGen allele CA10307287.
Genomic context (GRCh38, chr22:50,218,566, plus strand): 5'-AGCAGACGTCCTTGAGCGCCCACATCATGAGCTTCAGCTGCAGCAGGAAGGAGAAGACGC[C>T]GCTGTACTTGCTCACGCAGCCCTCGGTGATGACAATGTTGAGAGGCCAGTCCACCTGCCA-3'
Protein context (NP_065194.3, residues 1616-1636): ITEGCVSKYS[Gly1626Ser]VFSFLLQLKL